The following is an entry in ClinVar:

ClinVar aggregate classification (germline): Benign/Likely benign. Review status: criteria provided, multiple submitters, no conflicts (2 of 4 stars). 6 submissions from 6 submitters: Benign (2); Likely benign (3). 1 of the submissions does not count toward it. Last evaluated 2025-12-27.

Conditions:
EYA4-related disorder. Also called: EYA4-related disorders; EYA4-related condition. Identifiers: MedGen CN239388.
Cardiovascular phenotype. Identifiers: MedGen CN230736.
Dilated cardiomyopathy 1J (CMD1J). Also called: CARDIOMYOPATHY, DILATED, WITH SENSORINEURAL HEARING LOSS, AUTOSOMAL DOMINANT. Identifiers: Orphanet 217622, MedGen C1854368, MONDO:0011541, OMIM 605362.

Allele frequency attached by ClinVar (database versions not stated): gnomAD exomes 0.00005 and 0.00014; ExAC 0.00019; gnomAD 0.00058 and 0.00067; TOPMed 0.00062; ESP Exome Variant Server 0.00069.
gnomAD v4.1: 171 of 1,613,358 alleles (0.011%); highest among the groups gnomAD compares: African/African-American, 0.19%; no homozygotes.

Submissions (6):

Labcorp Genetics (formerly Invitae), Labcorp
Classification: Benign for Dilated cardiomyopathy 1J. Last evaluated: 2025-12-27. Review status: criteria provided, single submitter. Criteria: Invitae Variant Classification Sherloc (09022015). Collection method: clinical testing. Allele origin: germline.

Women's Health and Genetics/Laboratory Corporation of America, LabCorp
Classification: Benign. Last evaluated: 2025-11-04. Review status: criteria provided, single submitter. Criteria: LabCorp Variant Classification Summary - May 2015. Collection method: clinical testing. Allele origin: germline.

Blueprint Genetics
Classification: Likely benign. Last evaluated: 2023-06-16. Review status: criteria provided, single submitter. Criteria: ACMG Guidelines, 2015. Collection method: clinical testing. Allele origin: germline.

GeneDx
Classification: Likely benign. Last evaluated: 2021-07-22. Review status: criteria provided, single submitter. Criteria: GeneDx Variant Classification Process June 2021. Collection method: clinical testing. Allele origin: germline. Affected: yes.

Ambry Genetics
Classification: Likely benign for Cardiovascular phenotype. Last evaluated: 2019-10-02. Review status: criteria provided, single submitter. Criteria: Ambry Variant Classification Scheme 2023. Collection method: clinical testing. Allele origin: germline.

PreventionGenetics, part of Exact Sciences
Classification: Likely benign for EYA4-related condition. Last evaluated: 2019-06-11. Review status: no assertion criteria provided. Collection method: clinical testing. Allele origin: germline. Not counted in ClinVar's aggregate classification.
Comment: This variant is classified as likely benign based on ACMG/AMP sequence variant interpretation guidelines (Richards et al. 2015 PMID: 25741868, with internal and published modifications).

NM_004100.5(EYA4):c.1329G>A (p.Gly443=)

Genes: TARID (TCF21 antisense RNA inducing promoter demethylation; minus strand), EYA4 (EYA transcriptional coactivator and phosphatase 4; plus strand). Cytogenetic location: 6q23.2.
Variant type: single nucleotide variant.
Coding change: c.1329G>A on transcript NM_004100.5 (MANE Select); coding-DNA position 1329, G replaced by A.
Protein change: p.Gly443=; no amino-acid change (glycine 443 retained).
Molecular consequence: synonymous variant.
Genome position (GRCh38, 1-based): chr6:133,512,768, G>A. VCF-style: chr6-133512768-G-A. GRCh37 (hg19) VCF-style: chr6-133833906-G-A.
Other names: c.1167G>A, p.Gly389= (NM_001301012.2); c.1347G>A, p.Gly449= (NM_001301013.2); c.1260G>A, p.Gly420= (NM_001370458.1, NM_172103.4); c.1185G>A, p.Gly395= (NM_001370459.1); c.1329G>A, p.Gly443= (NM_172105.4).
Identifiers: ClinVar variation 416272 (VCV000416272.20), dbSNP rs141300030, ClinGen allele CA4008336.